The following is an entry in ClinVar:

NM_002519.3(NPAT):c.2596A>G (p.Ile866Val)

Gene: NPAT (nuclear protein, coactivator of histone transcription; minus strand). Cytogenetic location: 11q22.3.
Variant type: single nucleotide variant.
Coding change: c.2596A>G on transcript NM_002519.3 (MANE Select); coding-DNA position 2596, A replaced by G.
Protein change: p.Ile866Val; replaces isoleucine 866 with valine.
Molecular consequence: missense variant.
Genome position (GRCh38, 1-based): chr11:108,172,388, T>C on the plus strand (A>G on the coding strand, the complement: NPAT is on the minus strand). VCF-style: chr11-108172388-T-C. GRCh37 (hg19) VCF-style: chr11-108043115-T-C.
Other names: c.2596A>G, p.Ile866Val (NM_001321307.1); short protein forms I866V.
Identifiers: ClinVar variation 1793570 (VCV001793570.2), dbSNP rs2496716676, ClinGen allele CA382512636.
Genomic context (GRCh38, chr11:108,172,388, plus strand): 5'-TAGACTGACTTACAGATGTTCCTAACGCTGTTGGATCAGTCACACAGGTAGCTATCAGAA[T>C]GTTATTTGAATTGCCAAAAGCTGTGCTTGTGGCTGGCATCAACTGTATATATCCTCCATC-3'
Protein context (NP_002510.2, residues 856-876): TSTAFGNSNN[Ile866Val]LIATCVTDPT

ClinVar aggregate classification (germline): Uncertain significance (1 of 4 stars; one submission).

Allele frequency attached by ClinVar (database versions not stated): gnomAD exomes 0.00001.
gnomAD v4.1: 5 of 1,614,216 alleles (0.00031%); highest among the groups gnomAD compares: Non-Finnish European, 0.00042%; no homozygotes.

Submission:

Ambry Genetics
Classification: Uncertain significance. Last evaluated: 2021-11-07. Review status: criteria provided, single submitter. Criteria: Ambry Variant Classification Scheme 2023. Collection method: clinical testing. Allele origin: germline.
Comment: The p.I866V variant (also known as c.2596A>G), located in coding exon 13 of the NPAT gene, results from an A to G substitution at nucleotide position 2596. The isoleucine at codon 866 is replaced by valine, an amino acid with highly similar properties. This amino acid position is conserved. In addition, this alteration is predicted to be tolerated by in silico analysis. Since supporting evidence is limited at this time, the clinical significance of this alteration remains unclear.